The following is an entry in ClinVar:

NM_001375405.1(CEP120):c.797A>G (p.Gln266Arg)

Gene: CEP120 (centrosomal protein 120; minus strand). Cytogenetic location: 5q23.2.
Variant type: single nucleotide variant.
Coding change: c.797A>G on transcript NM_001375405.1 (MANE Select); coding-DNA position 797, A replaced by G.
Protein change: p.Gln266Arg; replaces glutamine 266 with arginine.
Molecular consequence: missense variant. On other transcripts: non-coding transcript variant (1).
Genome position (GRCh38, 1-based): chr5:123,393,313, T>C on the plus strand (A>G on the coding strand, the complement: CEP120 is on the minus strand). VCF-style: chr5-123393313-T-C. GRCh37 (hg19) VCF-style: chr5-122729007-T-C.
Other names: c.719A>G, p.Gln240Arg (NM_001166226.2); c.797A>G, p.Gln266Arg (NM_001375406.1, NM_001375407.1, NM_153223.4); c.224A>G, p.Gln75Arg (NM_001375408.1, NM_001375409.1); short protein forms Q240R, Q266R, Q75R.
Identifiers: ClinVar variation 2415191 (VCV002415191.4), dbSNP rs1772527359, ClinGen allele CA360892510.
Genomic context (GRCh38, chr5:123,393,313, plus strand): 5'-GCTTAAAAGACCACCTCCAGCTAAAAACGATTTGCTGCAATACTCACCTGCAGTTTAGAC[T>C]GAAGAGCCAGGTAAACACGAAGAATTTCTACACTGCTACGGATGCGAACTGATGCTCTCT-3'
Protein context (NP_001362334.1, residues 256-276): VEILRVYLAL[Gln266Arg]SKLQIHLCCG

ClinVar aggregate classification (germline): Uncertain significance (1 of 4 stars; one submission).

Conditions:
Short-rib thoracic dysplasia 13 with or without polydactyly (SRTD13). Identifiers: Orphanet 474, MedGen C4225378, MONDO:0014577, OMIM 616300.

Allele frequency attached by ClinVar (database versions not stated): gnomAD exomes 0.00004.
gnomAD v4.1: 51 of 1,614,172 alleles (0.0032%); highest among the groups gnomAD compares: Non-Finnish European, 0.0043%; no homozygotes.

Submission:

Labcorp Genetics (formerly Invitae), Labcorp
Classification: Uncertain significance for Short-rib thoracic dysplasia 13 with or without polydactyly. Last evaluated: 2022-07-05. Review status: criteria provided, single submitter. Criteria: Invitae Variant Classification Sherloc (09022015). Collection method: clinical testing. Allele origin: germline.
Comment: This sequence change replaces glutamine, which is neutral and polar, with arginine, which is basic and polar, at codon 266 of the CEP120 protein (p.Gln266Arg). This variant is not present in population databases (gnomAD no frequency). This variant has not been reported in the literature in individuals affected with CEP120-related conditions. Algorithms developed to predict the effect of missense changes on protein structure and function (SIFT, PolyPhen-2, Align-GVGD) all suggest that this variant is likely to be tolerated. In summary, the available evidence is currently insufficient to determine the role of this variant in disease. Therefore, it has been classified as a Variant of Uncertain Significance.